The following is an entry in ClinVar:

ClinVar aggregate classification (germline): Uncertain significance (1 of 4 stars; one submission).

Conditions:
Gnathodiaphyseal dysplasia (GDD). Also called: GNATHODIAPHYSEAL SCLEROSIS; OSTEOGENESIS IMPERFECTA WITH UNUSUAL SKELETAL LESIONS. Identifiers: Orphanet 53697, MedGen C1833736, MONDO:0008151, OMIM 166260.
Autosomal recessive limb-girdle muscular dystrophy type 2L (LGMDR12). Also called: Limb-girdle muscular dystrophy, type 2L; Limb-Girdle Muscular Dystrophy R12 Anoctamin-5-Related (LGMD-R12); MUSCULAR DYSTROPHY, LIMB-GIRDLE, AUTOSOMAL RECESSIVE 12. Identifiers: Orphanet 206549, MedGen C1969785, MONDO:0012652, OMIM 611307.

Allele frequency attached by ClinVar (database versions not stated): gnomAD exomes below 0.00001; ExAC 0.00001; gnomAD 0.00001; TOPMed 0.00002; ESP Exome Variant Server 0.00008.
gnomAD v4.1: 1 of 1,613,440 alleles (0.000062%); highest among the groups gnomAD compares: African/African-American, 0.0013%; no homozygotes.

Submission:

Labcorp Genetics (formerly Invitae), Labcorp
Classification: Uncertain significance for Autosomal recessive limb-girdle muscular dystrophy type 2L; Gnathodiaphyseal dysplasia. Last evaluated: 2022-11-08. Review status: criteria provided, single submitter. Criteria: Invitae Variant Classification Sherloc (09022015). Collection method: clinical testing. Allele origin: germline.
Comment: In summary, the available evidence is currently insufficient to determine the role of this variant in disease. Therefore, it has been classified as a Variant of Uncertain Significance. Advanced modeling of protein sequence and biophysical properties (such as structural, functional, and spatial information, amino acid conservation, physicochemical variation, residue mobility, and thermodynamic stability) has been performed at Invitae for this missense variant, however the output from this modeling did not meet the statistical confidence thresholds required to predict the impact of this variant on ANO5 protein function. ClinVar contains an entry for this variant (Variation ID: 1443031). This variant has not been reported in the literature in individuals affected with ANO5-related conditions. The frequency data for this variant in the population databases is considered unreliable, as metrics indicate poor data quality at this position in the gnomAD database. This sequence change replaces leucine, which is neutral and non-polar, with serine, which is neutral and polar, at codon 330 of the ANO5 protein (p.Leu330Ser).

NM_213599.3(ANO5):c.989T>C (p.Leu330Ser)

Gene: ANO5 (anoctamin 5; plus strand). Cytogenetic location: 11p14.3.
Variant type: single nucleotide variant.
Coding change: c.989T>C on transcript NM_213599.3 (MANE Select); coding-DNA position 989, T replaced by C.
Protein change: p.Leu330Ser; replaces leucine 330 with serine.
Molecular consequence: missense variant.
Genome position (GRCh38, 1-based): chr11:22,250,347, T>C. VCF-style: chr11-22250347-T-C. GRCh37 (hg19) VCF-style: chr11-22271893-T-C.
Other names: c.986T>C, p.Leu329Ser (NM_001142649.2); short protein forms L329S, L330S.
Identifiers: ClinVar variation 1443031 (VCV001443031.8), dbSNP rs373814281, ClinGen allele CA5923086.